The following is an entry in ClinVar:

ClinVar aggregate classification (germline): Uncertain significance. Review status: criteria provided, multiple submitters, no conflicts (2 of 4 stars). 2 submissions from 2 submitters: Uncertain significance (2). Last evaluated 2024-09-05.

Conditions:
Congenital muscular dystrophy due to integrin alpha-7 deficiency. Also called: Congenital muscular dystrophy with integrin alpha-7 deficiency; Muscular dystrophy, congenital, due to ITGA7 deficiency; MYOPATHY, CONGENITAL, DUE TO INTEGRIN ALPHA-7 DEFICIENCY. Identifiers: Orphanet 34520, MedGen C2750786, MONDO:0013177, OMIM 613204.

Allele frequency attached by ClinVar (database versions not stated): gnomAD exomes below 0.00001; TOPMed 0.00001.
gnomAD v4.1: 2 of 1,614,172 alleles (0.00012%); highest among the groups gnomAD compares: Admixed American, 0.0017%; no homozygotes.

Submissions (2):

Labcorp Genetics (formerly Invitae), Labcorp
Classification: Uncertain significance for Congenital muscular dystrophy due to integrin alpha-7 deficiency. Last evaluated: 2024-09-05. Review status: criteria provided, single submitter. Criteria: Invitae Variant Classification Sherloc (09022015). Collection method: clinical testing. Allele origin: germline.
Comment: This sequence change replaces lysine, which is basic and polar, with arginine, which is basic and polar, at codon 223 of the ITGA7 protein (p.Lys223Arg). This variant is present in population databases (no rsID available, gnomAD 0.003%). This variant has not been reported in the literature in individuals affected with ITGA7-related conditions. ClinVar contains an entry for this variant (Variation ID: 1034535). An algorithm developed to predict the effect of missense changes on protein structure and function (PolyPhen-2) suggests that this variant is likely to be tolerated. In summary, the available evidence is currently insufficient to determine the role of this variant in disease. Therefore, it has been classified as a Variant of Uncertain Significance.

Revvity Omics, Revvity
Classification: Uncertain significance for Congenital muscular dystrophy due to integrin alpha-7 deficiency. Last evaluated: 2019-09-19. Review status: criteria provided, single submitter. Criteria: ACMG Guidelines, 2015. Collection method: clinical testing. Allele origin: germline.

NM_002206.3(ITGA7):c.668A>G (p.Lys223Arg)

Gene: ITGA7 (integrin subunit alpha 7; minus strand). Cytogenetic location: 12q13.2.
Variant type: single nucleotide variant.
Coding change: c.668A>G on transcript NM_002206.3 (MANE Select); coding-DNA position 668, A replaced by G.
Protein change: p.Lys223Arg; replaces lysine 223 with arginine.
Molecular consequence: missense variant. On other transcripts: 5 prime UTR variant (1).
Genome position (GRCh38, 1-based): chr12:55,700,901, T>C on the plus strand (A>G on the coding strand, the complement: ITGA7 is on the minus strand). VCF-style: chr12-55700901-T-C. GRCh37 (hg19) VCF-style: chr12-56094685-T-C.
Other names: c.668A>G, p.Lys223Arg (NM_001144996.2, NM_001374465.1, NM_001410977.1 and 5 more transcripts); c.377A>G, p.Lys126Arg (NM_001144997.2); c.329A>G, p.Lys110Arg (NM_001367993.1, NM_001414035.1); c.-505A>G (NM_001367994.1); c.485A>G, p.Lys162Arg (NM_001414033.1); c.668A>G (NM_002206.2); short protein forms K126R, K110R, K223R, K162R.
Identifiers: ClinVar variation 1034535 (VCV001034535.11), dbSNP rs1263731616, ClinGen allele CA385191916.